The following is an entry in ClinVar:

NM_003482.4(KMT2D):c.14400G>A (p.Met4800Ile)

Gene: KMT2D (lysine methyltransferase 2D; minus strand). Cytogenetic location: 12q13.12.
Variant type: single nucleotide variant.
Coding change: c.14400G>A on transcript NM_003482.4 (MANE Select); coding-DNA position 14400, G replaced by A.
Protein change: p.Met4800Ile; replaces methionine 4800 with isoleucine.
Molecular consequence: missense variant.
Genome position (GRCh38, 1-based): chr12:49,028,124, C>T on the plus strand (G>A on the coding strand, the complement: KMT2D is on the minus strand). VCF-style: chr12-49028124-C-T. GRCh37 (hg19) VCF-style: chr12-49421907-C-T.
Other names: short protein forms M4800I.
Identifiers: ClinVar variation 1474039 (VCV001474039.8), dbSNP rs2120379530, ClinGen allele CA384695442.

ClinVar aggregate classification (germline): Uncertain significance (1 of 4 stars; one submission).

Conditions:
Kabuki syndrome. Also called: Kabuki make-up syndrome; NIIKAWA-KUROKI SYNDROME. Identifiers: Orphanet 2322, MedGen C0796004, MONDO:0016512.

Allele frequency attached by ClinVar (database versions not stated): gnomAD exomes below 0.00001.
gnomAD v4.1: 1 of 1,614,012 alleles (0.000062%); highest among the groups gnomAD compares: Non-Finnish European, 0.000085%; no homozygotes.

Submission:

Labcorp Genetics (formerly Invitae), Labcorp
Classification: Uncertain significance for Kabuki syndrome. Last evaluated: 2022-08-31. Review status: criteria provided, single submitter. Criteria: Invitae Variant Classification Sherloc (09022015). Collection method: clinical testing. Allele origin: germline.
Comment: In summary, the available evidence is currently insufficient to determine the role of this variant in disease. Therefore, it has been classified as a Variant of Uncertain Significance. Advanced modeling of protein sequence and biophysical properties (such as structural, functional, and spatial information, amino acid conservation, physicochemical variation, residue mobility, and thermodynamic stability) performed at Invitae indicates that this missense variant is not expected to disrupt KMT2D protein function. ClinVar contains an entry for this variant (Variation ID: 1474039). This variant has not been reported in the literature in individuals affected with KMT2D-related conditions. This variant is not present in population databases (gnomAD no frequency). This sequence change replaces methionine, which is neutral and non-polar, with isoleucine, which is neutral and non-polar, at codon 4800 of the KMT2D protein (p.Met4800Ile).